The following is an entry in ClinVar:

ClinVar aggregate classification (germline): Likely pathogenic (1 of 4 stars; one submission).

Conditions:
GNPTAB-mucolipidosis. Also called: UDP-N-acetylglucosamine-1-phosphotransferase subunit alpha/beta deficiency. Identifiers: MedGen CN322573, MONDO:0100122.

Submission:

Myriad Genetics, Inc.
Classification: Likely pathogenic for GNPTAB-mucolipidosis. Last evaluated: 2019-09-30. Review status: criteria provided, single submitter. Criteria: Myriad Autosomal Dominant, Autosomal Recessive and X-Linked Classification Criteria (2023). Collection method: clinical testing. Allele origin: unknown.
Comment: NM_024312.4(GNPTAB):c.1780A>T(K594*) is expected to be pathogenic in the context of GNPTAB-related disorders. This variant is predicted to lead to an abnormal or absent protein product due to the creation of a premature termination codon in GNPTAB, a gene where loss-of-function variants are known to be pathogenic. Please note: this variant was assessed in the context of healthy population screening.

NM_024312.5(GNPTAB):c.1780A>T (p.Lys594Ter)

Gene: GNPTAB (N-acetylglucosamine-1-phosphate transferase subunits alpha and beta; minus strand). Cytogenetic location: 12q23.2.
Variant type: single nucleotide variant.
Coding change: c.1780A>T on transcript NM_024312.5 (MANE Select); coding-DNA position 1780, A replaced by T.
Protein change: p.Lys594Ter; replaces lysine 594 with a stop codon.
Molecular consequence: nonsense.
Genome position (GRCh38, 1-based): chr12:101,765,137, T>A on the plus strand (A>T on the coding strand, the complement: GNPTAB is on the minus strand). VCF-style: chr12-101765137-T-A. GRCh37 (hg19) VCF-style: chr12-102158915-T-A.
Other names: short protein forms K594*.
Identifiers: ClinVar variation 984020 (VCV000984020.4), dbSNP rs1953069110, ClinGen allele CA386299830.
Genomic context (GRCh38, chr12:101,765,137, plus strand): 5'-TAAAATGTATTGTGGTGGCATTCATTCCACTGTGCATTATGAGGTGGATGGTTTTCCACT[T>A]GTTGGCAATAGAAGCATGTCGAATTATTGGATTGTCACTATAGGCACCTTCAACTCCTCT-3'